The following is an entry in ClinVar:

ClinVar aggregate classification (germline): Uncertain significance (1 of 4 stars; one submission).

Allele frequency attached by ClinVar (database versions not stated): gnomAD exomes below 0.00001; TOPMed 0.00002.
gnomAD v4.1: 2 of 1,209,732 alleles (0.00017%); highest among the groups gnomAD compares: Admixed American, 0.0043%; no homozygotes.

Submission:

GeneDx
Classification: Uncertain significance. Last evaluated: 2023-03-31. Review status: criteria provided, single submitter. Criteria: GeneDx Variant Classification Process June 2021. Collection method: clinical testing. Allele origin: germline.
Comment: In silico analysis supports a deleterious effect on splicing; Has not been previously published as pathogenic or benign to our knowledge

NM_002294.3(LAMP2):c.1093+2461A>G

Gene: LAMP2 (lysosome associated membrane protein 2; minus strand). Cytogenetic location: Xq24.
Variant type: single nucleotide variant.
Coding change: c.1093+2461A>G on transcript NM_002294.3 (MANE Select); 2461 bases into the intron after coding-DNA position 1093, A replaced by G.
Molecular consequence: intron variant. On other transcripts: missense variant (1).
Genome position (GRCh38, 1-based): chrX:120,439,269, T>C on the plus strand (A>G on the coding strand, the complement: LAMP2 is on the minus strand). VCF-style: chrX-120439269-T-C. GRCh37 (hg19) VCF-style: chrX-119573124-T-C.
Other names: c.1118A>G, p.Asp373Gly (NM_013995.2); c.1093+2461A>G (NM_001122606.1); short protein forms D373G.
Identifiers: ClinVar variation 1803473 (VCV001803473.2), dbSNP rs1202532149, ClinGen allele CA414399217.